The following is an entry in ClinVar:

ClinVar aggregate classification (germline): Uncertain significance. Review status: criteria provided, single submitter (1 of 4 stars). 2 submissions from 2 submitters: Uncertain significance (1). 1 of the submissions does not count toward it. Last evaluated 2018-10-05.

Conditions:
HNF4A-related disorder. Also called: HNF4A-related condition.

Submissions (2):

Genetic Services Laboratory, University of Chicago
Classification: Uncertain significance. Last evaluated: 2018-10-05. Review status: criteria provided, single submitter. Criteria: ACMG Guidelines, 2015. Collection method: clinical testing. Allele origin: germline. Affected: no.

PreventionGenetics, part of Exact Sciences
Classification: Uncertain significance for HNF4A-related condition. Last evaluated: 2024-01-09. Review status: no assertion criteria provided. Collection method: clinical testing. Allele origin: germline. Not counted in ClinVar's aggregate classification.
Comment: The HNF4A c.742G>T variant is predicted to result in the amino acid substitution p.Asp248Tyr. To our knowledge, this variant has not been reported in the literature or in a large population database, indicating this variant is rare. At this time, the clinical significance of this variant is uncertain due to the absence of conclusive functional and genetic evidence.

NM_175914.5(HNF4A):c.742G>T (p.Asp248Tyr)

Gene: HNF4A (hepatocyte nuclear factor 4 alpha; plus strand). Cytogenetic location: 20q13.12.
Variant type: single nucleotide variant.
Coding change: c.742G>T on transcript NM_175914.5 (MANE Select); coding-DNA position 742, G replaced by T.
Protein change: p.Asp248Tyr; replaces aspartic acid 248 with tyrosine.
Molecular consequence: missense variant.
Genome position (GRCh38, 1-based): chr20:44,419,792, G>T. VCF-style: chr20-44419792-G-T. GRCh37 (hg19) VCF-style: chr20-43048432-G-T.
Other names: c.808G>T, p.Asp270Tyr (NM_000457.6, NM_178849.3, NM_178850.3); c.742G>T, p.Asp248Tyr (NM_001030003.3, NM_001030004.3); c.787G>T, p.Asp263Tyr (NM_001258355.2); c.733G>T, p.Asp245Tyr (NM_001287182.2, NM_001287183.2, NM_001287184.2); short protein forms D245Y, D248Y, D263Y, D270Y.
Identifiers: ClinVar variation 1338451 (VCV001338451.6), dbSNP rs2146445464, ClinGen allele CA409107465.